The following is an entry in ClinVar:

NM_019098.5(CNGB3):c.1513A>G (p.Thr505Ala)

Gene: CNGB3 (cyclic nucleotide gated channel subunit beta 3; minus strand). Cytogenetic location: 8q21.3.
Variant type: single nucleotide variant.
Coding change: c.1513A>G on transcript NM_019098.5 (MANE Select); coding-DNA position 1513, A replaced by G.
Protein change: p.Thr505Ala; replaces threonine 505 with alanine.
Molecular consequence: missense variant.
Genome position (GRCh38, 1-based): chr8:86,626,048, T>C on the plus strand (A>G on the coding strand, the complement: CNGB3 is on the minus strand). VCF-style: chr8-86626048-T-C. GRCh37 (hg19) VCF-style: chr8-87638276-T-C.
Other names: short protein forms T505A.
Identifiers: ClinVar variation 2063128 (VCV002063128.2), dbSNP rs148248467, ClinGen allele CA4799992.
Genomic context (GRCh38, chr8:86,626,048, plus strand): 5'-ACAAGTCGACTTTGCTGATGATGCTGAAGTTCACATCAATGGCGAGGGCTAACTGGACCG[T>C]AGTTGGTAGGGTCTTAAGCAAATCAGACTCATCTTTATAAAGATAAACACATCAAACCCC-3'
Protein context (NP_061971.3, residues 495-515): ESDLLKTLPT[Thr505Ala]VQLALAIDVN

ClinVar aggregate classification (germline): Uncertain significance. Review status: criteria provided, multiple submitters, no conflicts (2 of 4 stars). 2 submissions from 2 submitters: Uncertain significance (2). Last evaluated 2023-03-01.

Allele frequency attached by ClinVar (database versions not stated): gnomAD 0.00003; gnomAD exomes 0.00003; TOPMed 0.00006; ExAC 0.00007; ESP Exome Variant Server 0.00015.
gnomAD v4.1: 49 of 1,613,630 alleles (0.003%); highest among the groups gnomAD compares: Non-Finnish European, 0.004%; no homozygotes.

Submissions (2):

Blueprint Genetics
Classification: Uncertain significance. Last evaluated: 2023-03-01. Review status: criteria provided, single submitter. Criteria: ACMG Guidelines, 2015. Collection method: clinical testing. Allele origin: germline.

Labcorp Genetics (formerly Invitae), Labcorp
Classification: Uncertain significance. Last evaluated: 2022-09-26. Review status: criteria provided, single submitter. Criteria: Invitae Variant Classification Sherloc (09022015). Collection method: clinical testing. Allele origin: germline.
Comment: This sequence change replaces threonine, which is neutral and polar, with alanine, which is neutral and non-polar, at codon 505 of the CNGB3 protein (p.Thr505Ala). This variant is present in population databases (rs148248467, gnomAD 0.01%). This variant has not been reported in the literature in individuals affected with CNGB3-related conditions. Algorithms developed to predict the effect of missense changes on protein structure and function output the following: SIFT: "Tolerated"; PolyPhen-2: "Benign"; Align-GVGD: "Class C0". The alanine amino acid residue is found in multiple mammalian species, which suggests that this missense change does not adversely affect protein function. In summary, the available evidence is currently insufficient to determine the role of this variant in disease. Therefore, it has been classified as a Variant of Uncertain Significance.